The following is an entry in ClinVar:

NM_001113378.2(FANCI):c.3493del (p.Asp1165fs)

Gene: FANCI (FA complementation group I; plus strand). Cytogenetic location: 15q26.1.
Variant type: Deletion.
Coding change: c.3493del on transcript NM_001113378.2 (MANE Select); coding-DNA position 3493, one base deleted (G; older notation c.3493delG).
Protein change: p.Asp1165fs; shifts the reading frame from aspartic acid 1165.
Molecular consequence: frameshift variant.
Genome position (GRCh38, 1-based): chr15:89,306,150, G deleted; the last of 2 consecutive G bases (chr15:89,306,149-89,306,150); deleting either gives the same sequence. VCF-style (leftmost placement, unchanged base first): chr15-89306148-AG-A. GRCh37 (hg19) VCF-style: chr15-89849379-AG-A.
Other names: c.3493delG (NM_001113378.1); c.3214del, p.Asp1072fs (NM_001376910.1); c.3493del, p.Asp1165fs (NM_001376911.1); c.3313del, p.Asp1105fs (NM_018193.3); short protein forms D1165fs, D1105fs, D1072fs.
Identifiers: ClinVar variation 408200 (VCV000408200.19), dbSNP rs758597713, ClinGen allele CA7723732.
Genomic context (GRCh38, chr15:89,306,148, plus strand): 5'-TTTTCCACGAGCTGGTGCAGACAGCTCTGCCATCAGGCAGCTGTGTGGACACCTTGTTAA[AG>A]GACTTGTGCAAAATGTACACCACACTTACAGCCCTTGTCAGATATGTGAGTATTTGAGAC-3'

ClinVar aggregate classification (germline): Pathogenic/Likely pathogenic. Review status: criteria provided, multiple submitters, no conflicts (2 of 4 stars). 8 submissions from 8 submitters: Pathogenic (5); Likely pathogenic (2). 1 of the submissions does not count toward it. Last evaluated 2026-03-16.

Conditions:
FANCI-related disorder. Also called: FANCI-related condition.
Fanconi anemia (FA). Also called: Fanconi's anemia. Identifiers: Orphanet 84, MedGen C0015625, MeSH D005199, MONDO:0019391.
Fanconi anemia complementation group I (FANCI). Also called: FANCI-Related Fanconi Anemia. Identifiers: Orphanet 84, MedGen C1836861, MONDO:0012186, OMIM 609053.

Submissions (8):

PreventionGenetics, part of Exact Sciences
Classification: Pathogenic for FANCI-related condition. Last evaluated: 2026-03-16. Review status: criteria provided, single submitter. Criteria: ACMG Guidelines, 2015. Collection method: clinical testing. Allele origin: germline.
Comment: The FANCI c.3493delG variant is predicted to result in a frameshift and premature protein termination (p.Asp1165Thrfs*34). This variant has been reported, together with FANCI c.3946G>A, p.Gly1316Arg, as a germline variant in an individual with head and neck squamous cell carcinoma (Chandrasekharappa et al. 2017. PubMed ID: 28678401). This variant has also been reported as a germline variant in another in a patient with breast cancer (Paixão et al. 2022. PubMed ID: 36119527). This variant is reported in 0.040% of alleles in individuals of Latino descent in gnomAD. Frameshift variants in FANCI are expected to be pathogenic (Dorsman et al. 2007. PubMed ID: 17452773; Sims et al. 2007. PubMed ID: 17460694). This variant is interpreted as pathogenic.

Labcorp Genetics (formerly Invitae), Labcorp
Classification: Pathogenic for Fanconi anemia. Last evaluated: 2026-02-01. Review status: criteria provided, single submitter. Criteria: Invitae Variant Classification Sherloc (09022015). Collection method: clinical testing. Allele origin: germline.
Comment: This sequence change creates a premature translational stop signal (p.Asp1165Thrfs*34) in the FANCI gene. It is expected to result in an absent or disrupted protein product. Loss-of-function variants in FANCI are known to be pathogenic (PMID: 17452773, 17460694). This variant is present in population databases (rs758597713, gnomAD 0.04%). This premature translational stop signal has been observed in individual(s) with head and neck squamous cell carcinoma (PMID: 28678401). ClinVar contains an entry for this variant (Variation ID: 408200). For these reasons, this variant has been classified as Pathogenic.

Baylor Genetics
Classification: Pathogenic for Fanconi anemia complementation group I. Last evaluated: 2024-03-26. Review status: criteria provided, single submitter. Criteria: ACMG Guidelines, 2015. Collection method: clinical testing. Allele origin: unknown.

Fulgent Genetics
Classification: Pathogenic for Fanconi anemia complementation group I. Last evaluated: 2024-02-20. Review status: criteria provided, single submitter. Criteria: ACMG Guidelines, 2015. Collection method: clinical testing. Allele origin: germline.

Women's Health and Genetics/Laboratory Corporation of America, LabCorp
Classification: Likely pathogenic for Fanconi anemia. Last evaluated: 2022-12-08. Review status: criteria provided, single submitter. Criteria: LabCorp Variant Classification Summary - May 2015. Collection method: clinical testing. Allele origin: germline.
Comment: Variant summary: FANCI c.3493delG (p.Asp1165ThrfsX34) results in a premature termination codon, predicted to cause a truncation of the encoded protein or absence of the protein due to nonsense mediated decay, which are commonly known mechanisms for disease. Truncations downstream of this position have been associated with Fanconi Anemia in HGMD. The variant allele was found at a frequency of 5.2e-05 in 251486 control chromosomes. c.3493delG has been reported in the literature as a compound heterozygous genotype in individuals affected with Fanconi Anemia (Chandrasekharappa_2017). To our knowledge, no experimental evidence demonstrating an impact on protein function has been reported. Three clinical diagnostic laboratories have submitted clinical-significance assessments for this variant to ClinVar after 2014 without evidence for independent evaluation. All laboratories classified the variant as pathogenic (n=2) and likely pathogenic (n=1) . Based on the evidence outlined above, the variant was classified as likely pathogenic.

AiLife Diagnostics
Classification: Pathogenic. Last evaluated: 2021-06-11. Review status: criteria provided, single submitter. Criteria: ACMG Guidelines, 2015. Collection method: clinical testing. Allele origin: germline. Affected: yes. Observed: 1 variant allele.

Sema4
Classification: Likely pathogenic for Fanconi anemia. Last evaluated: 2021-01-23. Review status: criteria provided, single submitter. Criteria: Sema4 Curation Guidelines. Collection method: curation. Allele origin: germline.
Comment: The FANCI c.3493delG (p.D1165TfsX34) variant has been reported in at least one individual with head and neck carcinoma and anemia (PMID: 28678401). This variant causes a frameshift at amino acid 1165 that results in premature termination 34 amino acids downstream. At this location, this is predicted to cause nonsense-mediated decay and result in an absent protein (loss of function). Loss of function variants in FANCI are known to be pathogenic (PMID: 17452773). This variant was observed in 14/35440 chromosomes in the Latino population, with no homozygotes, according to the Genome Aggregation Database (PMID: 27535533). Based on the current evidence available, this variant is interpreted as likely pathogenic.

Leiden Open Variation Database
Classification: Pathogenic for Fanconi anemia complementation group I. Last evaluated: 2013-10-04. Review status: no assertion criteria provided. Collection method: curation. Allele origin: germline. Affected: yes. Not counted in ClinVar's aggregate classification.
Comment: Curator: Arleen D. Auerbach. Submitter to LOVD: Arleen D. Auerbach.

Literature cited by the submitters: PubMed 17452773 (cited by Labcorp Genetics (formerly Invitae), Labcorp and Sema4); PubMed 17460694 (cited by Labcorp Genetics (formerly Invitae), Labcorp); PubMed 28678401 (cited by 4 submitters); PubMed 23093618 (cited by Women's Health and Genetics/Laboratory Corporation of America, LabCorp).